The following is an entry in ClinVar:

ClinVar aggregate classification (germline): Pathogenic. Review status: criteria provided, multiple submitters, no conflicts (2 of 4 stars). 7 submissions from 7 submitters: Pathogenic (7). Last evaluated 2025-12-01.

Conditions:
Stickler syndrome type 1 (STL1). Also called: COL2A1-Related Stickler Syndrome; ARTHROOPHTHALMOPATHY, HEREDITARY PROGRESSIVE; STICKLER SYNDROME, MEMBRANOUS VITREOUS TYPE; STICKLER SYNDROME, VITREOUS TYPE 1. Identifiers: Orphanet 828, Orphanet 90653, MedGen C2020284, MONDO:0007160, OMIM 108300.
COL2A1-related disorder. Also called: COL2A1-related condition; COL2A1-related disorders.
Stickler syndrome, type I, nonsyndromic ocular. Also called: STICKLER SYNDROME, TYPE I, PREDOMINANTLY OCULAR; STICKLER SYNDROME, ATYPICAL. Identifiers: MedGen C1836080, MONDO:0012287, OMIM 609508.

Submissions (7):

Variantyx, Inc.
Classification: Pathogenic for Stickler syndrome type 1. Last evaluated: 2025-12-01. Review status: criteria provided, single submitter. Criteria: Variantyx Assertion Criteria 2022. Collection method: clinical testing. Allele origin: germline. Inheritance: Autosomal dominant inheritance. Affected: yes.
Comment: This is a nonsense variant in the COL2A1 gene (OMIM: 120140). Pathogenic variants in this gene have been associated with autosomal dominant Stickler syndrome type I. This variant introduces a premature termination codon in exon 35 out of 54 and is expected to result in loss of function, which is a known disease mechanism for COL2A1 in this disorder (PMID: 20179744) (PVS1). This variant has been reported in at least three unrelated affected individuals (PMID: 10729292, 30181686, 38219857) (PS4_Moderate) and it has been observed to segregate with disease in at least three individuals from one family (PMID: 10729292) (PP1). Inter- and intrafamilial clinical variability has been described (PMID: 31021589). This variant is absent from control populations (PM2). Based on the current evidence, this variant is classified as pathogenic for autosomal dominant Stickler syndrome type I.

Labcorp Genetics (formerly Invitae), Labcorp
Classification: Pathogenic. Last evaluated: 2025-10-19. Review status: criteria provided, single submitter. Criteria: Invitae Variant Classification Sherloc (09022015). Collection method: clinical testing. Allele origin: germline.
Comment: This sequence change creates a premature translational stop signal (p.Arg785*) in the COL2A1 gene. It is expected to result in an absent or disrupted protein product. Loss-of-function variants in COL2A1 are known to be pathogenic (PMID: 20179744). This variant is not present in population databases (gnomAD no frequency). This premature translational stop signal has been observed in individuals with autosomal dominant Stickler syndrome (PMID: 10729292, 28559085). It has also been observed to segregate with disease in related individuals. This variant is also known as 22314 C-T, R585X. ClinVar contains an entry for this variant (Variation ID: 286497). For these reasons, this variant has been classified as Pathogenic.

Blueprint Genetics
Classification: Pathogenic for COL2A1-related disorders. Last evaluated: 2024-06-27. Review status: criteria provided, single submitter. Criteria: ACMG Guidelines, 2015. Collection method: clinical testing. Allele origin: germline. Affected: yes. Observed: 5 variant alleles.

Division of Genomic Medicine, Department of Advanced Medicine, Medical Research Institute, Kanazawa Medical University
Classification: Pathogenic for Stickler syndrome type 1. Last evaluated: 2023-10-20. Review status: criteria provided, single submitter. Criteria: ACMG Guidelines, 2015. Collection method: clinical testing. Allele origin: germline. Affected: yes. Observed: 1 variant allele.

GeneDx
Classification: Pathogenic. Last evaluated: 2022-01-21. Review status: criteria provided, single submitter. Criteria: GeneDx Variant Classification Process June 2021. Collection method: clinical testing. Allele origin: germline. Affected: yes.
Comment: Not observed at significant frequency in large population cohorts (gnomAD); Nonsense variant predicted to result in protein truncation or nonsense mediated decay in a gene for which loss-of-function is a known mechanism of disease; Reported in ClinVar (ClinVar Variant ID# 286497; ClinVar); This variant is associated with the following publications: (PMID: 25525159, 20513134, 10729292, 26443184, 23022073, 29453956, 20179744, 31758797, 32756486, 32639332, 27408751, 28559085, 26582918)

Eurofins Ntd Llc (ga)
Classification: Pathogenic. Last evaluated: 2016-02-23. Review status: criteria provided, single submitter. Criteria: EGL Classification Definitions 2015. Collection method: clinical testing. Allele origin: germline.

Juno Genomics, Hangzhou Juno Genomics, Inc
Classification: Pathogenic for Stickler syndrome type 1; Stickler syndrome, type I, nonsyndromic ocular. Review status: criteria provided, single submitter. Criteria: ACMG Guidelines, 2015. Collection method: clinical testing. Allele origin: germline. Affected: yes.
Comment: Absent from controls (or at extremely low frequency if recessive) in Genome Aggregation Database, Exome Sequencing Project, 1000 Genomes Project, or Exome Aggregation Consortium.;Null variant in a gene where loss of function (LOF) is a known mechanism of disease.;The prevalence of the variant in affected individuals is significantly increased compared to the prevalence in controls.;Co-segregation with disease in multiple affected family members in a gene definitively known to cause the disease.;Patient's phenotype or family history is highly specific for a disease with a single genetic etiology.

Literature cited by the submitters: PubMed 20179744 (cited by Variantyx, Inc. and Labcorp Genetics (formerly Invitae), Labcorp); PubMed 10729292 (cited by 3 submitters); PubMed 30181686 (cited by Variantyx, Inc.); PubMed 38219857 (cited by Variantyx, Inc.); PubMed 28559085 (cited by Labcorp Genetics (formerly Invitae), Labcorp); PubMed 23022073 (cited by Division of Genomic Medicine, Department of Advanced Medicine, Medical Research Institute, Kanazawa Medical University).

NM_001844.5(COL2A1):c.2353C>T (p.Arg785Ter)

Gene: COL2A1 (collagen type II alpha 1 chain; minus strand). Cytogenetic location: 12q13.11.
Variant type: single nucleotide variant.
Coding change: c.2353C>T on transcript NM_001844.5 (MANE Select); coding-DNA position 2353, C replaced by T.
Protein change: p.Arg785Ter; replaces arginine 785 with a stop codon.
Molecular consequence: nonsense.
Genome position (GRCh38, 1-based): chr12:47,982,109, G>A on the plus strand (C>T on the coding strand, the complement: COL2A1 is on the minus strand). VCF-style: chr12-47982109-G-A. GRCh37 (hg19) VCF-style: chr12-48375892-G-A.
Other names: c.2146C>T, p.Arg716Ter (NM_033150.3); short protein forms R785*, R716*.
Identifiers: ClinVar variation 286497 (VCV000286497.19), dbSNP rs886043410, ClinGen allele CA10605488.